The following is an entry in ClinVar:

NM_024312.5(GNPTAB):c.1242dup (p.Val415fs)

Gene: GNPTAB (N-acetylglucosamine-1-phosphate transferase subunits alpha and beta; minus strand). Cytogenetic location: 12q23.2.
Variant type: Duplication.
Coding change: c.1242dup on transcript NM_024312.5 (MANE Select); coding-DNA position 1242, one base duplicated (T; older notation c.1242dupT).
Protein change: p.Val415fs; shifts the reading frame from valine 415.
Molecular consequence: frameshift variant.
Genome position (GRCh38, 1-based): chr12:101,770,063, A duplicated on the plus strand (T on the coding strand, the reverse complement: GNPTAB is on the minus strand). VCF-style (leftmost placement, unchanged base first): chr12-101770062-C-CA. GRCh37 (hg19) VCF-style: chr12-102163840-C-CA.
Other names: short protein forms V415fs.
Identifiers: ClinVar variation 4816136 (VCV004816136.1).

ClinVar aggregate classification (germline): Likely pathogenic (1 of 4 stars; one submission).

Conditions:
Mucolipidosis type II. Also called: ML II ALPHA/BETA; Mucolipidosis 2; ML 2; Inclusion cell disease; Leroy Disease; N-acetylglucosamine 1phosphotransferase deficiency. Identifiers: Orphanet 576, MedGen C2673377, MONDO:0009650, OMIM 252500.

Submission:

Natera, Inc.
Classification: Likely pathogenic for Mucolipidosis type II. Last evaluated: 2024-08-09. Review status: criteria provided, single submitter. Criteria: Natera Variant Classification Schema (03/2026). Collection method: clinical testing. Allele origin: germline.
Comment: The c.1242dup variant in GNPTAB is a frameshift variant predicted to shift the reading frame beginning at codon 415 and leads to a stop codon 5 codons downstream. This variant is expected to result in nonsense mediated decay, truncation, or a dysfunctional protein product. This variant is rare in the general population with a frequency below the threshold expected for the associated phenotype(s). Given the available evidence, this variant is classified as Likely Pathogenic.